The following is an entry in ClinVar:

ClinVar aggregate classification (germline): Uncertain significance (1 of 4 stars; one submission).

gnomAD v4.1: 25 of 1,610,434 alleles (0.0016%); highest among the groups gnomAD compares: African/African-American, 0.0093%; no homozygotes.

Submission:

Ambry Genetics
Classification: Uncertain significance. Last evaluated: 2024-11-18. Review status: criteria provided, single submitter. Criteria: Ambry Variant Classification Scheme 2023. Collection method: clinical testing. Allele origin: germline.
Comment: The p.P1097L variant (also known as c.3290C>T), located in coding exon 12 of the WNK2 gene, results from a C to T substitution at nucleotide position 3290. The proline at codon 1097 is replaced by leucine, an amino acid with similar properties. This amino acid position is conserved. In addition, this alteration is predicted to be tolerated by in silico analysis. Based on the available evidence, the clinical significance of this variant remains unclear.

NM_006648.4(WNK2):c.3290C>T (p.Pro1097Leu)

Gene: WNK2 (WNK lysine deficient protein kinase 2; plus strand). Cytogenetic location: 9q22.31.
Variant type: single nucleotide variant.
Coding change: c.3290C>T on transcript NM_006648.4 (MANE Select); coding-DNA position 3290, C replaced by T.
Protein change: p.Pro1097Leu; replaces proline 1097 with leucine.
Molecular consequence: missense variant.
Genome position (GRCh38, 1-based): chr9:93,262,037, C>T. VCF-style: chr9-93262037-C-T. GRCh37 (hg19) VCF-style: chr9-96024319-C-T.
Other names: c.3290C>T, p.Pro1097Leu (NM_001282394.3); short protein forms P1097L.
Identifiers: ClinVar variation 3470172 (VCV003470172.1).
Genomic context (GRCh38, chr9:93,262,037, plus strand): 5'-CTGCCTCTGTGCAGAGTGTGCCCACCCAGACTGCCACACTTCTGCCACCAGCAAACCCAC[C>T]GCTGCCTGGCGGGCCCGGGATCGCCAGCCCTTGCCCAACTGTCCAGCTGACGGTGGAACC-3'
Protein context (NP_006639.3, residues 1087-1107): TATLLPPANP[Pro1097Leu]LPGGPGIASP